The following is an entry in ClinVar:

ClinVar aggregate classification (germline): Pathogenic (1 of 4 stars; one submission).

Conditions:
Fanconi anemia (FA). Also called: Fanconi's anemia. Identifiers: Orphanet 84, MedGen C0015625, MeSH D005199, MONDO:0019391.

Submission:

Women's Health and Genetics/Laboratory Corporation of America, LabCorp
Classification: Pathogenic for Fanconi anemia. Last evaluated: 2023-03-22. Review status: criteria provided, single submitter. Criteria: LabCorp Variant Classification Summary - May 2015. Collection method: clinical testing. Allele origin: germline.
Comment: Variant summary: The variant identified by MLPA or other technology involves the deletion of exons 22-28 in the FANCA gene. A presumed nomenclature of c.(1900+1_1901-1)_(2778+1_2779-1)del has been designated for the purposes of this classification. Although exact breakpoints of this deletion are not known, it is expected to result in a frameshift in the FANCA gene, a known mechanism of disease. The variant allele was found at a frequency of 5e-05 in 19932 control chromosomes (gnomAD Database, Structural Variant Dataset). c.(1900+1_1901-1)_(2778+1_2779-1)del has been reported in the literature in individuals affected with Fanconi Anemia (example: Kimble_2018, Pilonetto_2017, Ameziane_2008 etc.). One clinical diagnostic laboratory has submitted clinical-significance assessments for this variant to ClinVar after 2014 and classified the variant as pathogenic. Based on the evidence outlined above, the variant was classified as pathogenic.

Literature cited by the submitters: PubMed 17924555; PubMed 28717661; PubMed 29098742.

NC_000016.9:g.(89828431_89831297)_(89839793_89842149)del

Gene: FANCA (FA complementation group A; minus strand). Cytogenetic location: 16q24.3.
Variant type: Deletion.
Identifiers: ClinVar variation 2501037 (VCV002501037.1).